The following is an entry in ClinVar:

NM_152594.3(SPRED1):c.887G>A (p.Cys296Tyr)

Gene: SPRED1 (sprouty related EVH1 domain containing 1; plus strand). Cytogenetic location: 15q14.
Variant type: single nucleotide variant.
Coding change: c.887G>A on transcript NM_152594.3 (MANE Select); coding-DNA position 887, G replaced by A.
Protein change: p.Cys296Tyr; replaces cysteine 296 with tyrosine.
Molecular consequence: missense variant.
Genome position (GRCh38, 1-based): chr15:38,351,216, G>A. VCF-style: chr15-38351216-G-A. GRCh37 (hg19) VCF-style: chr15-38643417-G-A.
Other names: short protein forms C296Y.
Identifiers: ClinVar variation 1380081 (VCV001380081.8), dbSNP rs200974459, ClinGen allele CA7470198.

ClinVar aggregate classification (germline): Conflicting classifications of pathogenicity. Review status: criteria provided, conflicting classifications (1 of 4 stars). 2 submissions from 2 submitters: Uncertain significance (1); Likely benign (1). Last evaluated 2025-08-24.

Conditions:
Cardiovascular phenotype. Identifiers: MedGen CN230736.
Legius syndrome. Identifiers: Orphanet 137605, MedGen C1969623, MONDO:0012669, OMIM 611431. Disease mechanism: loss of function.

Allele frequency attached by ClinVar (database versions not stated): gnomAD 0.00002 and 0.00003; TOPMed 0.00002; ExAC 0.00007; gnomAD exomes 0.00010; 1000 Genomes Project 0.00020; 1000 Genomes Project 30x 0.00031.
gnomAD v4.1: 151 of 1,614,124 alleles (0.0094%); highest among the groups gnomAD compares: Non-Finnish European, 0.013%; no homozygotes.

Submissions (2):

Labcorp Genetics (formerly Invitae), Labcorp
Classification: Uncertain significance for Legius syndrome. Last evaluated: 2025-08-24. Review status: criteria provided, single submitter. Criteria: Invitae Variant Classification Sherloc (09022015). Collection method: clinical testing. Allele origin: germline.
Comment: This sequence change replaces cysteine, which is neutral and slightly polar, with tyrosine, which is neutral and polar, at codon 296 of the SPRED1 protein (p.Cys296Tyr). This variant is present in population databases (rs200974459, gnomAD 0.01%). This variant has not been reported in the literature in individuals affected with SPRED1-related conditions. ClinVar contains an entry for this variant (Variation ID: 1380081). Invitae Evidence Modeling incorporating data from in vitro experimental studies (internal data) indicates that this missense variant is not expected to disrupt SPRED1 function with a negative predictive value of 95%. In summary, the available evidence is currently insufficient to determine the role of this variant in disease. Therefore, it has been classified as a Variant of Uncertain Significance.

Ambry Genetics
Classification: Likely benign for Cardiovascular phenotype. Last evaluated: 2024-03-11. Review status: criteria provided, single submitter. Criteria: Ambry Variant Classification Scheme 2023. Collection method: clinical testing. Allele origin: germline.